The following is an entry in ClinVar:

NM_000179.3(MSH6):c.774del (p.Ile258fs)

Gene: MSH6 (mutS homolog 6; plus strand). Cytogenetic location: 2p16.3.
Variant type: Deletion.
Coding change: c.774del on transcript NM_000179.3 (MANE Select); coding-DNA position 774, one base deleted (T; older notation c.774delT).
Protein change: p.Ile258fs; shifts the reading frame from isoleucine 258.
Molecular consequence: frameshift variant. On other transcripts: 5 prime UTR variant (2).
Genome position (GRCh38, 1-based): chr2:47,798,757, T deleted; the last of 2 consecutive T bases (chr2:47,798,756-47,798,757); deleting either gives the same sequence. VCF-style (leftmost placement, unchanged base first): chr2-47798755-AT-A. GRCh37 (hg19) VCF-style: chr2-48025894-AT-A.
Other names: c.249delT, p.Ile83Metfs (NM_001406807.1, NM_001406799.1, NM_001406806.1); c.774delT, p.Ile258Metfs (NM_001406808.1, NM_001406809.1, NM_001406817.1 and 4 more transcripts); c.780delT, p.Ile260Metfs (NM_001406813.1); c.-133delT (NM_001406814.1, NM_001406815.1, NM_001406816.1 and 4 more transcripts); c.384del, p.Ile128fs (NM_001281492.2); c.-133del (NM_001281493.2, NM_001281494.2); c.870delT, p.Ile290Metfs (NM_001406795.1, NM_001406802.1); c.477delT, p.Ile159Metfs (NM_001406797.1, NM_001406801.1, NM_001406805.1 and 10 more transcripts); and 2 more; short protein forms I258fs, I128fs.
Identifiers: ClinVar variation 1760451 (VCV001760451.2), dbSNP rs2530570814, ClinGen allele CA2580067235.

ClinVar aggregate classification (germline): Pathogenic (1 of 4 stars; one submission).

Conditions:
Hereditary cancer-predisposing syndrome. Also called: Neoplastic Syndromes, Hereditary; Tumor predisposition; Hereditary Cancer Syndrome; Hereditary neoplastic syndrome. Identifiers: Orphanet 140162, MedGen C0027672, MeSH D009386, MONDO:0015356.

Submission:

Ambry Genetics
Classification: Pathogenic for Hereditary cancer-predisposing syndrome. Last evaluated: 2019-11-18. Review status: criteria provided, single submitter. Criteria: Ambry Variant Classification Scheme 2023. Collection method: clinical testing. Allele origin: germline.
Comment: The c.774delT variant, located in coding exon 4 of the MSH6 gene, results from a deletion of one nucleotide at nucleotide position 774, causing a translational frameshift with a predicted alternate stop codon (p.I258Mfs*21). This alteration is expected to result in loss of function by premature protein truncation or nonsense-mediated mRNA decay. As such, this alteration is interpreted as a disease-causing mutation.